The following is an entry in ClinVar:

NM_024678.6(NARS2):c.1311T>G (p.Phe437Leu)

Gene: NARS2 (asparaginyl-tRNA synthetase 2, mitochondrial; minus strand). Cytogenetic location: 11q14.1.
Variant type: single nucleotide variant.
Coding change: c.1311T>G on transcript NM_024678.6 (MANE Select); coding-DNA position 1311, T replaced by G.
Protein change: p.Phe437Leu; replaces phenylalanine 437 with leucine.
Molecular consequence: missense variant.
Genome position (GRCh38, 1-based): chr11:78,436,793, A>C on the plus strand (T>G on the coding strand, the complement: NARS2 is on the minus strand). VCF-style: chr11-78436793-A-C. GRCh37 (hg19) VCF-style: chr11-78147839-A-C.
Other names: c.630T>G, p.Phe210Leu (NM_001243251.2, NM_001425312.1, NM_001425313.1); c.1434T>G, p.Phe478Leu (NM_001425299.1); c.1284T>G, p.Phe428Leu (NM_001425300.1); c.1239T>G, p.Phe413Leu (NM_001425301.1); c.1230T>G, p.Phe410Leu (NM_001425302.1); c.1203T>G, p.Phe401Leu (NM_001425303.1); c.1173T>G, p.Phe391Leu (NM_001425304.1); c.*1174T>G (NM_001425305.1); and 7 more; short protein forms F360L, F401L, F410L, F201L, F220L, F347L, F428L, F437L.
Identifiers: ClinVar variation 2700896 (VCV002700896.3), dbSNP rs763167916, ClinGen allele CA382178439.

ClinVar aggregate classification (germline): Uncertain significance (1 of 4 stars; one submission).

Submission:

Labcorp Genetics (formerly Invitae), Labcorp
Classification: Uncertain significance. Last evaluated: 2025-08-15. Review status: criteria provided, single submitter. Criteria: Invitae Variant Classification Sherloc (09022015). Collection method: clinical testing. Allele origin: germline.
Comment: This sequence change replaces phenylalanine, which is neutral and non-polar, with leucine, which is neutral and non-polar, at codon 437 of the NARS2 protein (p.Phe437Leu). This variant is not present in population databases (gnomAD no frequency). This variant has not been reported in the literature in individuals affected with NARS2-related conditions. ClinVar contains an entry for this variant (Variation ID: 2700896). Invitae Evidence Modeling of protein sequence and biophysical properties (such as structural, functional, and spatial information, amino acid conservation, physicochemical variation, residue mobility, and thermodynamic stability) has been performed for this missense variant. However, the output from this modeling did not meet the statistical confidence thresholds required to predict the impact of this variant on NARS2 protein function. In summary, the available evidence is currently insufficient to determine the role of this variant in disease. Therefore, it has been classified as a Variant of Uncertain Significance.